The following is an entry in ClinVar:

ClinVar aggregate classification (germline): Pathogenic/Likely pathogenic. Review status: criteria provided, multiple submitters, no conflicts (2 of 4 stars). 2 submissions from 2 submitters: Pathogenic (1); Likely pathogenic (1). Last evaluated 2024-11-11.

Conditions:
Charcot-Marie-Tooth disease type 2. Also called: Charcot-Marie-Tooth type 2. Identifiers: Orphanet 64746, MedGen C0270914, MONDO:0018993.

Submissions (2):

Labcorp Genetics (formerly Invitae), Labcorp
Classification: Pathogenic for Charcot-Marie-Tooth disease type 2. Last evaluated: 2024-11-11. Review status: criteria provided, single submitter. Criteria: Invitae Variant Classification Sherloc (09022015). Collection method: clinical testing. Allele origin: germline.
Comment: This sequence change replaces isoleucine, which is neutral and non-polar, with threonine, which is neutral and polar, at codon 334 of the GARS protein (p.Ile334Thr). This variant is not present in population databases (gnomAD no frequency). This missense change has been observed in individuals with clinical features of autosomal dominant Charcot-Marie-Tooth disease (internal data). ClinVar contains an entry for this variant (Variation ID: 958512). Invitae Evidence Modeling of protein sequence and biophysical properties (such as structural, functional, and spatial information, amino acid conservation, physicochemical variation, residue mobility, and thermodynamic stability) indicates that this missense variant is expected to disrupt GARS protein function with a positive predictive value of 95%. This variant disrupts the p.Ile334 amino acid residue in GARS. Other variant(s) that disrupt this residue have been determined to be pathogenic (PMID: 17101916, 24604904, 25168514, 25476837). This suggests that this residue is clinically significant, and that variants that disrupt this residue are likely to be disease-causing. For these reasons, this variant has been classified as Pathogenic.

Mayo Clinic Laboratories, Mayo Clinic
Classification: Likely pathogenic. Last evaluated: 2024-01-04. Review status: criteria provided, single submitter. Criteria: ACMG Guidelines, 2015. Collection method: clinical testing. Allele origin: germline. Observed: 1 variant allele.
Comment: PP3, PM1, PM2, PM5

Literature cited by the submitters: PubMed 17101916 (cited by Labcorp Genetics (formerly Invitae), Labcorp); PubMed 24604904 (cited by Labcorp Genetics (formerly Invitae), Labcorp); PubMed 25168514 (cited by Labcorp Genetics (formerly Invitae), Labcorp); PubMed 25476837 (cited by Labcorp Genetics (formerly Invitae), Labcorp).

NM_002047.4(GARS1):c.1001T>C (p.Ile334Thr)

Gene: GARS1 (glycyl-tRNA synthetase 1; plus strand). Cytogenetic location: 7p14.3.
Variant type: single nucleotide variant.
Coding change: c.1001T>C on transcript NM_002047.4 (MANE Select); coding-DNA position 1001, T replaced by C.
Protein change: p.Ile334Thr; replaces isoleucine 334 with threonine.
Molecular consequence: missense variant.
Genome position (GRCh38, 1-based): chr7:30,612,215, T>C. VCF-style: chr7-30612215-T-C. GRCh37 (hg19) VCF-style: chr7-30651831-T-C.
Other names: p.Ile334Thr; c.839T>C, p.Ile280Thr (NM_001316772.1); short protein forms I334T, I280T.
Identifiers: ClinVar variation 958512 (VCV000958512.10), dbSNP rs1554338262, ClinGen allele CA367125519.